The following is an entry in ClinVar:

NM_001165963.4(SCN1A):c.1632A>T (p.Thr544=)

Gene: SCN1A (sodium voltage-gated channel alpha subunit 1; minus strand). Cytogenetic location: 2q24.3.
Variant type: single nucleotide variant.
Coding change: c.1632A>T on transcript NM_001165963.4 (MANE Select); coding-DNA position 1632, A replaced by T.
Protein change: p.Thr544=; no amino-acid change (threonine 544 retained).
Molecular consequence: synonymous variant. On other transcripts: 5 prime UTR variant (1), non-coding transcript variant (1).
Genome position (GRCh38, 1-based): chr2:166,045,073, T>A on the plus strand (A>T on the coding strand, the complement: SCN1A is on the minus strand). VCF-style: chr2-166045073-T-A. GRCh37 (hg19) VCF-style: chr2-166901583-T-A.
Other names: c.1632A>T, p.Thr544= (NM_001165964.3, NM_001202435.3, NM_001353948.2 and 7 more transcripts); c.1629A>T, p.Thr543= (NM_001353954.2, NM_001353955.2, NM_001353960.2); c.-794A>T (NM_001353961.2).
Identifiers: ClinVar variation 3068945 (VCV003068945.2), dbSNP rs1697633357, ClinGen allele CA429976865.
Genomic context (GRCh38, chr2:166,045,073, plus strand): 5'-CATGCATCAGTAAACTCAGCAGTGCCATACCTGGTGTGGGGAGGAGTACCTCTTTTCATA[T>A]GTCAATCGGTTCCCTTCAATGGAGAAGCGAAAACCTTTCCTCCTGATGCTGTCCTCAGAT-3'
Protein context (NP_001159435.1, residues 534-554): FRFSIEGNRL[Thr544=]YEKRYSSPHQ

ClinVar aggregate classification (germline): Likely benign (1 of 4 stars; one submission).

gnomAD v4.1: 1 of 1,614,184 alleles (0.000062%); highest among the groups gnomAD compares: African/African-American, 0.0013%; no homozygotes.

Submission:

Women's Health and Genetics/Laboratory Corporation of America, LabCorp
Classification: Likely benign. Last evaluated: 2024-02-20. Review status: criteria provided, single submitter. Criteria: LabCorp Variant Classification Summary - May 2015. Collection method: clinical testing. Allele origin: germline.
Comment: Variant summary: SCN1A c.1632A>T alters a conserved nucleotide resulting in a synonymous change. Consensus agreement among computation tools predict no significant impact on normal splicing. However, these predictions have yet to be confirmed by functional studies. The variant was absent in 251108 control chromosomes (gnomAD). The available data on variant occurrences in the general population are insufficient to allow any conclusion about variant significance. To our knowledge, no occurrence of c.1632A>T in individuals affected with SCN1A-Related Seizure Disorder and no experimental evidence demonstrating its impact on protein function have been reported. No submitters have cited clinical-significance assessments for this variant to ClinVar. Based on the evidence outlined above, the variant was classified as likely benign.